The following is an entry in ClinVar:

NM_001199397.3(NEK1):c.3627T>G (p.Ser1209Arg)

Gene: NEK1 (NIMA related kinase 1; minus strand). Cytogenetic location: 4q33.
Variant type: single nucleotide variant.
Coding change: c.3627T>G on transcript NM_001199397.3 (MANE Select); coding-DNA position 3627, T replaced by G.
Protein change: p.Ser1209Arg; replaces serine 1209 with arginine.
Molecular consequence: missense variant. On other transcripts: non-coding transcript variant (1).
Genome position (GRCh38, 1-based): chr4:169,400,608, A>C on the plus strand (T>G on the coding strand, the complement: NEK1 is on the minus strand). VCF-style: chr4-169400608-A-C. GRCh37 (hg19) VCF-style: chr4-170321759-A-C.
Other names: c.3495T>G, p.Ser1165Arg (NM_001199398.3); c.3336T>G, p.Ser1112Arg (NM_001199399.3); c.3411T>G, p.Ser1137Arg (NM_001199400.3); c.3627T>G, p.Ser1209Arg (NM_001374418.1); c.3543T>G, p.Ser1181Arg (NM_001374419.1, NM_012224.4); c.3492T>G, p.Ser1164Arg (NM_001374420.1); c.3144T>G, p.Ser1048Arg (NM_001374421.1); c.3450T>G, p.Ser1150Arg (NM_001440620.1); and 5 more; short protein forms S1048R, S1150R, S1078R, S1112R, S1164R, S1106R, S1122R, S1137R.
Identifiers: ClinVar variation 4699591 (VCV004699591.1).
Genomic context (GRCh38, chr4:169,400,608, plus strand): 5'-TTTTTCAAAGCCCATTTCCTGCTCCAGATGAAGTCTCAGTTCCTCTAAATGGTTAAAGAC[A>C]CTATCGCATTCACATTCACTAGCAATTTCACCATCACTGTTATCTAAAAAACAAAATTAA-3'
Protein context (NP_001186326.1, residues 1199-1219): GEIASECECD[Ser1209Arg]VFNHLEELRL

ClinVar aggregate classification (germline): Uncertain significance (1 of 4 stars; one submission).

Conditions:
Short-rib thoracic dysplasia 6 with or without polydactyly (SRTD6). Also called: SHORT RIB-POLYDACTYLY SYNDROME, TYPE IIA; POLYDACTYLY WITH NEONATAL CHONDRODYSTROPHY, TYPE II; Majewski Syndrome; SHORT-RIB THORACIC DYSPLASIA 6 WITH POLYDACTYLY; SHORT-RIB THORACIC DYSPLASIA 6 WITHOUT POLYDACTYLY. Identifiers: MedGen C0024507, MONDO:0009894, OMIM 263520.

Submission:

Labcorp Genetics (formerly Invitae), Labcorp
Classification: Uncertain significance for Short-rib thoracic dysplasia 6 with or without polydactyly. Last evaluated: 2025-10-27. Review status: criteria provided, single submitter. Criteria: Invitae Variant Classification Sherloc (09022015). Collection method: clinical testing. Allele origin: germline.
Comment: This sequence change replaces serine, which is neutral and polar, with arginine, which is basic and polar, at codon 1181 of the NEK1 protein (p.Ser1181Arg). This variant is not present in population databases (gnomAD no frequency). This variant has not been reported in the literature in individuals affected with NEK1-related conditions. Invitae Evidence Modeling of protein sequence and biophysical properties (such as structural, functional, and spatial information, amino acid conservation, physicochemical variation, residue mobility, and thermodynamic stability) has been performed for this missense variant. However, the output from this modeling did not meet the statistical confidence thresholds required to predict the impact of this variant on NEK1 protein function. In summary, the available evidence is currently insufficient to determine the role of this variant in disease. Therefore, it has been classified as a Variant of Uncertain Significance.